The following is an entry in ClinVar:

NM_182961.4(SYNE1):c.26002-213C>T

Gene: SYNE1 (spectrin repeat containing nuclear envelope protein 1; minus strand). Cytogenetic location: 6q25.2.
Variant type: single nucleotide variant.
Coding change: c.26002-213C>T on transcript NM_182961.4 (MANE Select); 213 bases into the intron before coding-DNA position 26002, C replaced by T.
Molecular consequence: intron variant.
Genome position (GRCh38, 1-based): chr6:152,132,427, G>A on the plus strand (C>T on the coding strand, the complement: SYNE1 is on the minus strand). VCF-style: chr6-152132427-G-A. GRCh37 (hg19) VCF-style: chr6-152453562-G-A.
Other names: c.25858-213C>T (NM_033071.5); c.2608-213C>T (NM_001347701.2); c.2536-213C>T (NM_001347702.2).
Identifiers: ClinVar variation 670221 (VCV000670221.1), dbSNP rs2295195, ClinGen allele CA12213342.

ClinVar aggregate classification (germline): Benign (1 of 4 stars; one submission).

Allele frequency attached by ClinVar (database versions not stated): gnomAD 0.62114 and 0.62527; TOPMed 0.63670; 1000 Genomes Project 30x 0.71252; 1000 Genomes Project 0.71406.
gnomAD v4.1: 94,636 of 151,530 alleles (62%); highest among the groups gnomAD compares: African/African-American, 76%; 30,235 homozygotes.

Submission:

GeneDx
Classification: Benign. Last evaluated: 2018-06-14. Review status: criteria provided, single submitter. Criteria: GeneDx Variant Classification (06012015). Collection method: clinical testing. Allele origin: germline. Affected: yes.
Comment: This variant is considered likely benign or benign based on one or more of the following criteria: it is a conservative change, it occurs at a poorly conserved position in the protein, it is predicted to be benign by multiple in silico algorithms, and/or has population frequency not consistent with disease.